The following is an entry in ClinVar:

NM_000426.4(LAMA2):c.4910_4911dup (p.Gly1638fs)

Gene: LAMA2 (laminin subunit alpha 2; plus strand). Cytogenetic location: 6q22.33.
Variant type: Microsatellite.
Coding change: c.4910_4911dup on transcript NM_000426.4 (MANE Select); coding-DNA positions 4910 to 4911, 2 bases duplicated (AG; older notation c.4910_4911dupAG).
Protein change: p.Gly1638fs; shifts the reading frame from glycine 1638.
Molecular consequence: frameshift variant.
Genome position (GRCh38, 1-based): chr6:129,369,941-129,369,942, AG duplicated; duplicating any 2 consecutive bases within chr6:129,369,939-129,369,942 gives the same sequence; the c. name uses the placement nearest the transcript's 3' end. VCF-style (leftmost placement, unchanged base first): chr6-129369938-C-CAG. GRCh37 (hg19) VCF-style: chr6-129691083-C-CAG.
Other names: c.4910_4911dup, p.Gly1638fs (NM_001079823.2); short protein forms G1638fs.
Identifiers: ClinVar variation 5013875 (VCV005013875.1).

ClinVar aggregate classification (germline): Pathogenic (1 of 4 stars; one submission).

Conditions:
LAMA2-related muscular dystrophy (LAMA2-RD). Also called: Laminin alpha 2-related dystrophy. Identifiers: MedGen C5679788, MONDO:0100228.

Submission:

Myriad Genetics, Inc.
Classification: Pathogenic for LAMA2-related muscular dystrophy. Last evaluated: 2024-12-20. Review status: criteria provided, single submitter. Criteria: Myriad Autosomal Dominant, Autosomal Recessive and X-Linked Classification Criteria (2023). Collection method: clinical testing. Allele origin: unknown.
Comment: NM_000426.3(LAMA2):c.4910_4911dupAG(G1638Rfs*4) is expected to be pathogenic in the context of muscular dystrophy, LAMA2-related. This variant is predicted to lead to an abnormal or absent protein product due to the creation of a premature termination codon in LAMA2, a gene where loss-of-function variants are known to be pathogenic. Please note: this variant was assessed in the context of healthy population screening.